The following is an entry in ClinVar:

NM_000094.4(COL7A1):c.2477_2478del (p.Thr826fs)

Gene: COL7A1 (collagen type VII alpha 1 chain; minus strand). Cytogenetic location: 3p21.31.
Variant type: Microsatellite.
Coding change: c.2477_2478del on transcript NM_000094.4 (MANE Select); coding-DNA positions 2477 to 2478, 2 bases deleted (CA; older notation c.2477_2478delCA).
Protein change: p.Thr826fs; shifts the reading frame from threonine 826.
Molecular consequence: frameshift variant.
Genome position (GRCh38, 1-based): chr3:48,588,751-48,588,752, TG deleted on the plus strand (CA on the coding strand, the reverse complement: COL7A1 is on the minus strand); deleting any 2 consecutive bases within chr3:48,588,751-48,588,755 gives the same sequence; the c. name uses the placement nearest the transcript's 3' end. VCF-style (leftmost placement, unchanged base first): chr3-48588750-CTG-C. GRCh37 (hg19) VCF-style: chr3-48626183-CTG-C.
Other names: short protein forms T826fs.
Identifiers: ClinVar variation 5014085 (VCV005014085.1).

ClinVar aggregate classification (germline): Pathogenic (1 of 4 stars; one submission).

Conditions:
Recessive dystrophic epidermolysis bullosa (RDEB). Also called: DYSTROPHIC EPIDERMOLYSIS BULLOSA, AUTOSOMAL RECESSIVE; EPIDERMOLYSIS BULLOSA DYSTROPHICA, HALLOPEAU-SIEMENS TYPE; Hallopeau-Siemens Disease; severe generalized recessive dystrophic epidermolysis bullosa; EPIDERMOLYSIS BULLOSA DYSTROPHICA, GENERALIZED SEVERE, AUTOSOMAL RECESSIVE; Epidermolysis Bullosa Distrophica Autosomal Recessive (RDEB). Identifiers: Orphanet 79408, Orphanet 79409, MedGen C0079474, MONDO:0009179, OMIM 226600.

Submission:

Myriad Genetics, Inc.
Classification: Pathogenic for Recessive dystrophic epidermolysis bullosa. Last evaluated: 2025-02-10. Review status: criteria provided, single submitter. Criteria: Myriad Autosomal Dominant, Autosomal Recessive and X-Linked Classification Criteria (2023). Collection method: clinical testing. Allele origin: unknown.
Comment: NM_000094.3(COL7A1):c.2477_2478delCA(T826Rfs*39) is expected to be pathogenic in the context of dystrophic epidermolysis bullosa. This variant is predicted to lead to an abnormal or absent protein product due to the creation of a premature termination codon in COL7A1, a gene where loss-of-function variants are known to be pathogenic. Please note: this variant was assessed in the context of healthy population screening.